The following is an entry in ClinVar:

NM_007294.4(BRCA1):c.4096+4T>C

Genes: BRCA1 (BRCA1 DNA repair associated; minus strand), LOC126862571 (BRD4-independent group 4 enhancer GRCh37_chr17:41243136-41244335; plus strand). Cytogenetic location: 17q21.31.
Variant type: single nucleotide variant.
Coding change: c.4096+4T>C on transcript NM_007294.4 (MANE Select); 4 bases into the intron after coding-DNA position 4096, T replaced by C.
Molecular consequence: intron variant.
Genome position (GRCh38, 1-based): chr17:43,091,431, A>G on the plus strand (T>C on the coding strand, the complement: BRCA1 is on the minus strand). VCF-style: chr17-43091431-A-G. GRCh37 (hg19) VCF-style: chr17-41243448-A-G.
Other names: c.4096+4T>C (NM_001407616.1, NM_007300.4, NM_001407581.1 and 30 more transcripts); c.3955+4T>C (NM_001407733.1, NM_001407942.1, NM_001407694.1 and 29 more transcripts); c.644-399T>C (NM_001408465.1, NM_001408463.1, NM_001408470.1 and 3 more transcripts); c.578-399T>C (NM_001408482.1, NM_001408481.1, NM_001408480.1 and 9 more transcripts); c.3832+4T>C (NM_001407920.1, NM_001407922.1, NM_001407928.1 and 9 more transcripts); c.521-399T>C (NM_001408504.1, NM_001408503.1, NM_001408505.1); c.3829+4T>C (NM_001407930.1, NM_001407931.1, NM_001407932.1 and 2 more transcripts); c.3952+4T>C (NM_001407843.1, NM_001407747.1, NM_001407848.1 and 20 more transcripts); and 41 more.
Identifiers: ClinVar variation 654538 (VCV000654538.13), dbSNP rs1597859326, ClinGen allele CA10593755.

ClinVar aggregate classification (germline): Uncertain significance. Review status: criteria provided, multiple submitters, no conflicts (2 of 4 stars). 3 submissions from 3 submitters: Uncertain significance (3). Last evaluated 2025-08-22.

Conditions:
Hereditary breast ovarian cancer syndrome. Also called: Hereditary breast and ovarian cancer; Hereditary breast and/or ovarian cancer syndrome; Breast and ovarian cancer; BRCA1- and BRCA2-Associated Hereditary Breast and Ovarian Cancer; Hereditary breast and ovarian cancer syndrome; Hereditary breast and ovarian cancer syndrome (HBOC). Identifiers: Orphanet 145, MedGen C0677776, MeSH D061325, MONDO:0003582. Disease mechanism: loss of function.
Familial cancer of breast. Also called: Hereditary breast cancer; hereditary breast carcinoma; BREAST CANCER, FAMILIAL. Identifiers: Orphanet 227535, MedGen C0346153, MONDO:0016419, OMIM 114480. Disease mechanism: loss of function.
Hereditary cancer-predisposing syndrome. Also called: Hereditary neoplastic syndrome; Tumor predisposition; Neoplastic Syndromes, Hereditary; Hereditary Cancer Syndrome. Identifiers: Orphanet 140162, MedGen C0027672, MeSH D009386, MONDO:0015356.

Allele frequency attached by ClinVar (database versions not stated): gnomAD exomes below 0.00001.

Submissions (3):

Labcorp Genetics (formerly Invitae), Labcorp
Classification: Uncertain significance for Hereditary breast ovarian cancer syndrome. Last evaluated: 2025-08-22. Review status: criteria provided, single submitter. Criteria: Invitae Variant Classification Sherloc (09022015). Collection method: clinical testing. Allele origin: germline.
Comment: This sequence change falls in intron 10 of the BRCA1 gene. It does not directly change the encoded amino acid sequence of the BRCA1 protein. It affects a nucleotide within the consensus splice site. This variant is not present in population databases (gnomAD no frequency). This variant has not been reported in the literature in individuals affected with BRCA1-related conditions. ClinVar contains an entry for this variant (Variation ID: 654538). Variants that disrupt the consensus splice site are a relatively common cause of aberrant splicing (PMID: 17576681, 9536098). Algorithms developed to predict the effect of sequence changes on RNA splicing suggest that this variant is not likely to affect RNA splicing. In summary, the available evidence is currently insufficient to determine the role of this variant in disease. Therefore, it has been classified as a Variant of Uncertain Significance.

MGZ Medical Genetics Center
Classification: Uncertain significance for Familial cancer of breast. Last evaluated: 2024-02-09. Review status: criteria provided, single submitter. Criteria: CSpec BRCA1/2ACMG Rules Specifications V1.1.0. Collection method: clinical testing. Allele origin: germline. Affected: yes.
Comment: ACMG codes applied following ENIGMA VCEP rules: BP4, PM2_SUP

Ambry Genetics
Classification: Uncertain significance for Hereditary cancer-predisposing syndrome. Last evaluated: 2022-08-09. Review status: criteria provided, single submitter. Criteria: Ambry Variant Classification Scheme 2023. Collection method: clinical testing. Allele origin: germline.
Comment: The c.4096+4T>C intronic variant results from a T to C substitution 4 nucleotides after coding exon 9 in the BRCA1 gene. This nucleotide position is well conserved in available vertebrate species. In silico splice site analysis predicts that this alteration will not have any significant effect on splicing. Since supporting evidence is limited at this time, the clinical significance of this alteration remains unclear.

Literature cited by the submitters: PubMed 17576681 (cited by Labcorp Genetics (formerly Invitae), Labcorp); PubMed 9536098 (cited by Labcorp Genetics (formerly Invitae), Labcorp).